The following is an entry in ClinVar:

Conditions:
Breast-ovarian cancer, familial, susceptibility to, 1 (BROVCA1). Also called: BRCA1 Hereditary Breast and Ovarian Cancer; OVARIAN CANCER, SUSCEPTIBILITY TO. Identifiers: Orphanet 145, MedGen C2676676, MONDO:0011450, OMIM 604370. Disease mechanism: loss of function.

Submission:

Brotman Baty Institute, University of Washington
No classification provided (evidence only). Condition: Breast-ovarian cancer, familial 1. Review status: no classification provided. Collection method: in vitro. Allele origin: not applicable. Functional consequence: functionally_normal.
ClinVar note: "not provided" was previously submitted as the classification for the variant. However, the classification appeared to be based only on an observation of functional data so it was converted to no classification on 2025-07-30.

NM_007294.4(BRCA1):c.46A>T (p.Asn16Tyr)

Gene: BRCA1 (BRCA1 DNA repair associated; minus strand). Cytogenetic location: 17q21.31.
Variant type: single nucleotide variant.
Coding change: c.46A>T on transcript NM_007294.4 (MANE Select); coding-DNA position 46, A replaced by T.
Protein change: p.Asn16Tyr; replaces asparagine 16 with tyrosine.
Molecular consequence: missense variant. On other transcripts: 5 prime UTR variant (1), non-coding transcript variant (1).
Genome position (GRCh38, 1-based): chr17:43,124,051, T>A on the plus strand (A>T on the coding strand, the complement: BRCA1 is on the minus strand). VCF-style: chr17-43124051-T-A. GRCh37 (hg19) VCF-style: chr17-41276068-T-A.
Other names: c.-212A>T (NM_001407724.1, NM_001407727.1, NM_001407731.1 and 11 more transcripts); c.-215A>T (NM_001407725.1, NM_001407730.1, NM_001407734.1 and 22 more transcripts); c.-161A>T (NM_001407726.1, NM_001407751.1); c.-42A>T (NM_001407732.1, NM_001407736.1, NM_001407738.1 and 23 more transcripts); c.-219A>T (NM_001407741.1, NM_001407934.1, NM_001408497.1); c.-92A>T (NM_001407841.1); c.-241A>T (NM_001407846.1, NM_001407920.1, NM_001407697.1); c.-143A>T (NM_001407853.1, NM_001407879.1, NM_001407882.1 and 46 more transcripts); and 8 more; short protein forms N16Y.
Identifiers: ClinVar variation 868726 (VCV000868726.3), dbSNP rs2055729884, ClinGen allele CA10602067.